The following is an entry in ClinVar:

ClinVar aggregate classification (germline): Benign (0 of 4 stars; one submission).

Conditions:
THBS2-related disorder. Also called: THBS2-related condition.

Allele frequency attached by ClinVar (database versions not stated): 1000 Genomes Project 30x 0.02092; 1000 Genomes Project 0.02097; TOPMed 0.02414; gnomAD 0.02508; ESP Exome Variant Server 0.02837; ExAC 0.02920; gnomAD exomes 0.03635.
gnomAD v4.1: 56,719 of 1,612,026 alleles (3.5%); highest among the groups gnomAD compares: South Asian, 5.2%; 1,215 homozygotes.

Submission:

PreventionGenetics, part of Exact Sciences
Classification: Benign for THBS2-related condition. Last evaluated: 2019-12-05. Review status: no assertion criteria provided. Collection method: clinical testing. Allele origin: germline.
Comment: This variant is classified as benign based on ACMG/AMP sequence variant interpretation guidelines (Richards et al. 2015 PMID: 25741868, with internal and published modifications).

NM_003247.5(THBS2):c.1173C>T (p.Thr391=)

Genes: THBS2 (thrombospondin 2; minus strand), THBS2-AS1 (THBS2 antisense RNA 1; plus strand). Cytogenetic location: 6q27.
Variant type: single nucleotide variant.
Coding change: c.1173C>T on transcript NM_003247.5 (MANE Select); coding-DNA position 1173, C replaced by T.
Protein change: p.Thr391=; no amino-acid change (threonine 391 retained).
Molecular consequence: synonymous variant. On other transcripts: non-coding transcript variant (2).
Genome position (GRCh38, 1-based): chr6:169,237,752, G>A on the plus strand (C>T on the coding strand, the complement: THBS2 is on the minus strand). VCF-style: chr6-169237752-G-A. GRCh37 (hg19) VCF-style: chr6-169637847-G-A.
Other names: c.1173C>T, p.Thr391= (NM_001381939.1, NM_001381940.1); c.942C>T, p.Thr314= (NM_001381942.1).
Identifiers: ClinVar variation 3059518 (VCV003059518.2), dbSNP rs35631991, ClinGen allele CA4103377.